The following is an entry in ClinVar:

NM_000371.4(TTR):c.245A>T (p.Glu82Val)

Gene: TTR (transthyretin; plus strand). Cytogenetic location: 18q12.1.
Variant type: single nucleotide variant.
Coding change: c.245A>T on transcript NM_000371.4 (MANE Select); coding-DNA position 245, A replaced by T.
Protein change: p.Glu82Val; replaces glutamic acid 82 with valine.
Molecular consequence: missense variant.
Genome position (GRCh38, 1-based): chr18:31,595,164, A>T. VCF-style: chr18-31595164-A-T. GRCh37 (hg19) VCF-style: chr18-29175127-A-T.
Other names: short protein forms E82V.
Identifiers: ClinVar variation 4775502 (VCV004775502.1).

ClinVar aggregate classification (germline): Likely pathogenic (1 of 4 stars; one submission).

Conditions:
Amyloidosis, hereditary systemic 1 (AMYLD1). Also called: Hereditary oculoleptomeningeal amyloid angiopathy; Familial Transthyretin Amyloidosis; Familial amyloid polyneuropathy; Transthyretin Amyloidosis; Hereditary Transthyretin Amyloidosis; AMYLOID CARDIOMYOPATHY. Identifiers: Orphanet 85447, Orphanet 85451, MedGen C2751492, MONDO:0971004, OMIM 105210.

Submission:

Labcorp Genetics (formerly Invitae), Labcorp
Classification: Likely pathogenic for Amyloidosis, hereditary systemic 1. Last evaluated: 2025-03-25. Review status: criteria provided, single submitter. Criteria: Invitae Variant Classification Sherloc (09022015). Collection method: clinical testing. Allele origin: germline.
Comment: This sequence change replaces glutamic acid, which is acidic and polar, with valine, which is neutral and non-polar, at codon 82 of the TTR protein (p.Glu82Val). This variant is not present in population databases (gnomAD no frequency). This variant has not been reported in the literature in individuals affected with TTR-related conditions. Invitae Evidence Modeling of protein sequence and biophysical properties (such as structural, functional, and spatial information, amino acid conservation, physicochemical variation, residue mobility, and thermodynamic stability) indicates that this missense variant is expected to disrupt TTR protein function with a positive predictive value of 95%. This variant disrupts the p.Glu82 amino acid residue in TTR. Other variant(s) that disrupt this residue have been determined to be pathogenic (PMID: 25828388, 26208957, 29455155, 31718691; internal data). This suggests that this residue is clinically significant, and that variants that disrupt this residue are likely to be disease-causing. In summary, the currently available evidence indicates that the variant is pathogenic, but additional data are needed to prove that conclusively. Therefore, this variant has been classified as Likely Pathogenic.

Literature cited by the submitters: PubMed 25828388; PubMed 26208957; PubMed 29455155; PubMed 31718691.